The following is an entry in ClinVar:

NM_001127222.2(CACNA1A):c.2557_2586delinsGT (p.Arg853fs)

Gene: CACNA1A (calcium voltage-gated channel subunit alpha1 A; minus strand). Cytogenetic location: 19p13.13.
Variant type: Indel.
Coding change: c.2557_2586delinsGT on transcript NM_001127222.2 (MANE Select); coding-DNA positions 2557 to 2586, CGCGCCGAGGACTTCCTCAGGAAACAGGCC replaced by GT.
Protein change: p.Arg853fs; shifts the reading frame from arginine 853.
Molecular consequence: frameshift variant.
Genome position (GRCh38, 1-based): chr19:13,299,047-13,299,076, GGCCTGTTTCCTGAGGAAGTCCTCGGCGCG replaced by AC on the plus strand (CGCGCCGAGGACTTCCTCAGGAAACAGGCC replaced by GT on the coding strand, the reverse complement: CACNA1A is on the minus strand). VCF-style: chr19-13299047-GGCCTGTTTCCTGAGGAAGTCCTCGGCGCG-AC. GRCh37 (hg19) VCF-style: chr19-13409861-GGCCTGTTTCCTGAGGAAGTCCTCGGCGCG-AC.
Other names: c.2569_2598delinsGT, p.Arg857fs (NM_000068.4, NM_023035.3); c.2560_2589delinsGT, p.Arg854fs (NM_001127221.2, NM_001174080.2); short protein forms R853fs, R854fs, R857fs.
Identifiers: ClinVar variation 1806860 (VCV001806860.1), dbSNP rs2512908902, ClinGen allele CA2580096664.

ClinVar aggregate classification (germline): Pathogenic (1 of 4 stars; one submission).

Submission:

Athena Diagnostics
Classification: Pathogenic. Last evaluated: 2021-12-30. Review status: criteria provided, single submitter. Criteria: Athena Diagnostics Criteria. Collection method: clinical testing. Allele origin: unknown.
Comment: This variant is expected to result in the loss of a functional protein. This variant has not been reported in large, multi-ethnic general populations. This variant has been identified in at least one individual tested at Athena Diagnostics with clinical features associated with this gene.